The following is an entry in ClinVar:

ClinVar aggregate classification (germline): Pathogenic (1 of 4 stars; one submission).

Conditions:
Multiple congenital anomalies-hypotonia-seizures syndrome 1 (MCAHS1). Also called: PIGN-CDG; Congenital disorder of glycosylation due to PIGN deficiency; GLYCOSYLPHOSPHATIDYLINOSITOL BIOSYNTHESIS DEFECT 3. Identifiers: Orphanet 280633, MedGen C3279775, MONDO:0013563, OMIM 614080.

Submission:

Juno Genomics, Hangzhou Juno Genomics, Inc
Classification: Pathogenic for Multiple congenital anomalies-hypotonia-seizures syndrome 1. Review status: criteria provided, single submitter. Criteria: ACMG Guidelines, 2015. Collection method: clinical testing. Allele origin: germline.
Comment: Absent from controls (or at extremely low frequency if recessive) in Genome Aggregation Database.;Null variant in a gene where loss of function (LOF) is a known mechanism of disease.;For recessive disorders, detected in trans with a pathogenic variant.

NM_176787.5(PIGN):c.2427-2A>G

Gene: PIGN (phosphatidylinositol glycan anchor biosynthesis class N; minus strand). Cytogenetic location: 18q21.33.
Variant type: single nucleotide variant.
Coding change: c.2427-2A>G on transcript NM_176787.5 (MANE Select); the canonical splice acceptor site of the intron before coding-DNA position 2427, A replaced by G.
Molecular consequence: splice acceptor variant.
Genome position (GRCh38, 1-based): chr18:62,084,608, T>C on the plus strand (A>G on the coding strand, the complement: PIGN is on the minus strand). VCF-style: chr18-62084608-T-C. GRCh37 (hg19) VCF-style: chr18-59751841-T-C.
Other names: c.2025-2A>G (NM_001438910.1); c.2427-2A>G (NM_012327.6, NM_001438896.1, NM_001438905.1 and 1 more transcripts).
Identifiers: ClinVar variation 5005897 (VCV005005897.2).